The following is an entry in ClinVar:

ClinVar aggregate classification (germline): Uncertain significance. Review status: criteria provided, multiple submitters, no conflicts (2 of 4 stars). 2 submissions from 2 submitters: Uncertain significance (2). Last evaluated 2023-06-26.

Conditions:
Cardiomyopathy (CMYO). Also called: Cardiomyopathies. Identifiers: Orphanet 167848, MedGen C0878544, MONDO:0004994, HP:0001638. Inheritance: Various modes of inheritance.
Hypertrophic cardiomyopathy. Also called: HYPERTROPHIC MYOCARDIOPATHY. Identifiers: Orphanet 217569, MedGen C0007194, MeSH D002312, MONDO:0005045, HP:0001639.

Allele frequency attached by ClinVar (database versions not stated): gnomAD exomes below 0.00001; TOPMed below 0.00001; gnomAD 0.00001.
gnomAD v4.1: 2 of 1,612,972 alleles (0.00012%); highest among the groups gnomAD compares: Middle Eastern, 0.016%; no homozygotes.

Submissions (2):

All of Us Research Program, National Institutes of Health
Classification: Uncertain significance for Hypertrophic cardiomyopathy. Last evaluated: 2023-06-26. Review status: criteria provided, single submitter. Criteria: ACMG Guidelines, 2015. Collection method: clinical testing. Allele origin: germline. Inheritance: Autosomal dominant inheritance. Observed: 1 variant allele, 1 heterozygote.
Comment: This variant causes a C to T nucleotide substitution at the -3 position of intron 20 of the MYBPC3 gene. To our knowledge, functional studies have not been reported for this variant. This variant has not been reported in individuals affected with MYBPC3-related disorders in the literature. This variant has not been identified in the general population by the Genome Aggregation Database (gnomAD). The available evidence is insufficient to determine the role of this variant in disease conclusively. Therefore, this variant is classified as a Variant of Uncertain Significance.

This study involves interpretation of variants in research participants for the purpose of population health screening. Participant phenotype was not available at the time of variant classification. Additional details can be found in publication PMID: 35346344, PMCID: PMC8962531

Color Diagnostics, LLC DBA Color Health
Classification: Uncertain significance for Cardiomyopathy. Last evaluated: 2023-06-15. Review status: criteria provided, single submitter. Criteria: ACMG Guidelines, 2015. Collection method: clinical testing. Allele origin: germline.
Comment: This variant causes a C to T nucleotide substitution at the -3 position of intron 20 of the MYBPC3 gene. To our knowledge, functional studies have not been reported for this variant. This variant has not been reported in individuals affected with MYBPC3-related disorders in the literature. This variant has not been identified in the general population by the Genome Aggregation Database (gnomAD). The available evidence is insufficient to determine the role of this variant in disease conclusively. Therefore, this variant is classified as a Variant of Uncertain Significance.

NC_000011.10:g.47339793G>A

Gene: MYBPC3 (myosin binding protein C3; minus strand). Cytogenetic location: 11p11.2.
Variant type: single nucleotide variant.
Genome position: GRCh38 VCF-style: chr11-47339793-G-A. GRCh37 (hg19) VCF-style: chr11-47361344-G-A.
Other names: c.1928-3C>T (LRG_386t1, NM_000256.3).
Identifiers: ClinVar variation 628658 (VCV000628658.7), dbSNP rs1415195455, ClinGen allele CA676997604.